The following is an entry in ClinVar:

ClinVar aggregate classification (germline): Uncertain significance (1 of 4 stars; one submission).

Submission:

Labcorp Genetics (formerly Invitae), Labcorp
Classification: Uncertain significance. Last evaluated: 2021-05-28. Review status: criteria provided, single submitter. Criteria: Invitae Variant Classification Sherloc (09022015). Collection method: clinical testing. Allele origin: germline.
Comment: This variant, c.4153_4155del, results in the deletion of 1 amino acid(s) of the FN1 protein (p.Asp1385del), but otherwise preserves the integrity of the reading frame. This variant is not present in population databases (ExAC no frequency). This variant has not been reported in the literature in individuals with FN1-related conditions. Experimental studies and prediction algorithms are not available or were not evaluated, and the functional significance of this variant is currently unknown. In summary, the available evidence is currently insufficient to determine the role of this variant in disease. Therefore, it has been classified as a Variant of Uncertain Significance.

NM_212482.4(FN1):c.4153_4155del (p.Asp1385del)

Genes: FN1 (fibronectin 1; minus strand), LOC126806497 (BRD4-independent group 4 enhancer GRCh37_chr2:216255920-216257119; plus strand). Cytogenetic location: 2q35.
Variant type: Deletion.
Coding change: c.4153_4155del on transcript NM_212482.4 (MANE Select); coding-DNA positions 4153 to 4155, 3 bases deleted (GAT; older notation c.4153_4155delGAT).
Protein change: p.Asp1385del; deletes aspartic acid 1385.
Molecular consequence: inframe deletion.
Genome position (GRCh38, 1-based): chr2:215,391,729-215,391,731, ATC deleted on the plus strand (GAT on the coding strand, the reverse complement: FN1 is on the minus strand); deleting any 3 consecutive bases within chr2:215,391,729-215,391,732 gives the same sequence; the c. name uses the placement nearest the transcript's 3' end. VCF-style (leftmost placement, unchanged base first): chr2-215391728-AATC-A. GRCh37 (hg19) VCF-style: chr2-216256451-AATC-A.
Other names: c.4153_4155del, p.Asp1385del (NM_001306129.2, NM_001306130.2, NM_001365517.2 and 3 more transcripts); c.3880_3882del, p.Asp1294del (NM_001306131.2, NM_001306132.2, NM_001365518.2 and 7 more transcripts); short protein forms D1294del, D1385del.
Identifiers: ClinVar variation 1356990 (VCV001356990.8), dbSNP rs2106072928, ClinGen allele CA2573135240.